The following is an entry in ClinVar:

NM_003737.4(DCHS1):c.3850C>T (p.Arg1284Trp)

Gene: DCHS1 (dachsous cadherin-related 1; minus strand). Cytogenetic location: 11p15.4.
Variant type: single nucleotide variant.
Coding change: c.3850C>T on transcript NM_003737.4 (MANE Select); coding-DNA position 3850, C replaced by T.
Protein change: p.Arg1284Trp; replaces arginine 1284 with tryptophan.
Molecular consequence: missense variant.
Genome position (GRCh38, 1-based): chr11:6,631,133, G>A on the plus strand (C>T on the coding strand, the complement: DCHS1 is on the minus strand). VCF-style: chr11-6631133-G-A. GRCh37 (hg19) VCF-style: chr11-6652364-G-A.
Other names: short protein forms R1284W.
Identifiers: ClinVar variation 3684463 (VCV003684463.2).

ClinVar aggregate classification (germline): Uncertain significance (1 of 4 stars; one submission).

gnomAD v4.1: 8 of 1,613,444 alleles (0.0005%); highest among the groups gnomAD compares: Non-Finnish European, 0.00068%; no homozygotes.

Submission:

Labcorp Genetics (formerly Invitae), Labcorp
Classification: Uncertain significance. Last evaluated: 2025-11-18. Review status: criteria provided, single submitter. Criteria: Invitae Variant Classification Sherloc (09022015). Collection method: clinical testing. Allele origin: germline.
Comment: This sequence change replaces arginine, which is basic and polar, with tryptophan, which is neutral and slightly polar, at codon 1284 of the DCHS1 protein (p.Arg1284Trp). The frequency data for this variant in the population databases is considered unreliable, as metrics indicate poor data quality at this position in the gnomAD database. This variant has not been reported in the literature in individuals affected with DCHS1-related conditions. ClinVar contains an entry for this variant (Variation ID: 3684463). Invitae Evidence Modeling of protein sequence and biophysical properties (such as structural, functional, and spatial information, amino acid conservation, physicochemical variation, residue mobility, and thermodynamic stability) indicates that this missense variant is not expected to disrupt DCHS1 protein function with a negative predictive value of 80%. In summary, the available evidence is currently insufficient to determine the role of this variant in disease. Therefore, it has been classified as a Variant of Uncertain Significance.